The following is an entry in ClinVar:

ClinVar aggregate classification (germline): Uncertain significance (1 of 4 stars; one submission).

Conditions:
RERE-related disorder. Also called: RERE-related condition; RERE-Related Disorders. Identifiers: MedGen CN381537.

gnomAD v4.1: 1 of 1,614,164 alleles (0.000062%); highest among the groups gnomAD compares: Non-Finnish European, 0.000085%; no homozygotes.

Submission:

PreventionGenetics, part of Exact Sciences
Classification: Uncertain significance for RERE-related condition. Last evaluated: 2026-01-29. Review status: criteria provided, single submitter. Criteria: ACMG Guidelines, 2015. Collection method: clinical testing. Allele origin: germline.
Comment: The RERE c.185A>G variant is predicted to result in the amino acid substitution p.Asp62Gly. To our knowledge, this variant has not been reported in the literature or in a large population database (gnomAD), indicating this variant is rare. At this time, the clinical significance of this variant is uncertain due to the absence of conclusive functional and genetic evidence.

NM_001042681.2(RERE):c.185A>G (p.Asp62Gly)

Gene: RERE (arginine-glutamic acid dipeptide repeats; minus strand). Cytogenetic location: 1p36.23.
Variant type: single nucleotide variant.
Coding change: c.185A>G on transcript NM_001042681.2 (MANE Select); coding-DNA position 185, A replaced by G.
Protein change: p.Asp62Gly; replaces aspartic acid 62 with glycine.
Molecular consequence: missense variant.
Genome position (GRCh38, 1-based): chr1:8,656,113, T>C on the plus strand (A>G on the coding strand, the complement: RERE is on the minus strand). VCF-style: chr1-8656113-T-C. GRCh37 (hg19) VCF-style: chr1-8716172-T-C.
Other names: c.185A>G, p.Asp62Gly (NM_012102.4); short protein forms D62G.
Identifiers: ClinVar variation 4991822 (VCV004991822.1).